The following is an entry in ClinVar:

NM_001042492.3(NF1):c.1186-3T>G

Gene: NF1 (neurofibromin 1; plus strand). Cytogenetic location: 17q11.2.
Variant type: single nucleotide variant.
Coding change: c.1186-3T>G on transcript NM_001042492.3 (MANE Select); 3 bases into the intron before coding-DNA position 1186, T replaced by G.
Molecular consequence: intron variant.
Genome position (GRCh38, 1-based): chr17:31,201,408, T>G. VCF-style: chr17-31201408-T-G. GRCh37 (hg19) VCF-style: chr17-29528426-T-G.
Other names: c.1186-3T>G (NM_000267.4, NM_001128147.3).
Identifiers: ClinVar variation 3252960 (VCV003252960.1), dbSNP rs2066527385.

ClinVar aggregate classification (germline): Likely pathogenic (1 of 4 stars; one submission).

Submission:

GeneDx
Classification: Likely pathogenic. Last evaluated: 2023-09-20. Review status: criteria provided, single submitter. Criteria: GeneDx Variant Classification Process June 2021. Collection method: clinical testing. Allele origin: germline. Affected: yes.
Comment: Published functional studies demonstrate a damaging effect: variant leads to a frameshift effect that results in protein truncation (Giugliano et al., 2019); Not observed at significant frequency in large population cohorts (gnomAD); In silico analysis supports a deleterious effect on splicing; This variant is associated with the following publications: (PMID: 31370276)